The following is an entry in ClinVar:

NM_177438.3(DICER1):c.4263T>G (p.Asp1421Glu)

Gene: DICER1 (dicer 1, ribonuclease III; minus strand). Cytogenetic location: 14q32.13.
Variant type: single nucleotide variant.
Coding change: c.4263T>G on transcript NM_177438.3 (MANE Select); coding-DNA position 4263, T replaced by G.
Protein change: p.Asp1421Glu; replaces aspartic acid 1421 with glutamic acid.
Molecular consequence: missense variant.
Genome position (GRCh38, 1-based): chr14:95,096,657, A>C on the plus strand (T>G on the coding strand, the complement: DICER1 is on the minus strand). VCF-style: chr14-95096657-A-C. GRCh37 (hg19) VCF-style: chr14-95562994-A-C.
Other names: c.4263T>G, p.Asp1421Glu (NM_001195573.1, NM_001271282.3, NM_001291628.2 and 1 more transcripts); short protein forms D1421E.
Identifiers: ClinVar variation 479644 (VCV000479644.17), dbSNP rs1219156713, ClinGen allele CA390869641.
Genomic context (GRCh38, chr14:95,096,657, plus strand): 5'-ATCATCTTCATAGTCAGCCTCTTCCTTCGGAGCCCTCCACATCAGGCTCTCCTCCTCCTC[A>C]TCCTCCTCCTCGTAATCCTCATCCAGTTTGCCATTCGCCAGCATGCAGTCTTTTGTCTGA-3'
Protein context (NP_803187.1, residues 1411-1431): GKLDEDYEEE[Asp1421Glu]EEEESLMWRA

ClinVar aggregate classification (germline): Conflicting classifications of pathogenicity. Review status: criteria provided, conflicting classifications (1 of 4 stars). 2 submissions from 2 submitters: Uncertain significance (1); Likely benign (1). Last evaluated 2026-02-04.

Conditions:
DICER1-related tumor predisposition. Also called: DICER1-related pleuropulmonary blastoma cancer predisposition syndrome; DICER1 syndrome. Identifiers: Orphanet 284343, MedGen C3839822, MONDO:0100216.
Hereditary cancer-predisposing syndrome. Also called: Tumor predisposition; Neoplastic Syndromes, Hereditary; Hereditary Cancer Syndrome; Hereditary neoplastic syndrome. Identifiers: Orphanet 140162, MedGen C0027672, MeSH D009386, MONDO:0015356.

Allele frequency attached by ClinVar (database versions not stated): TOPMed 0.00001.

Submissions (2):

Labcorp Genetics (formerly Invitae), Labcorp
Classification: Uncertain significance for DICER1-related tumor predisposition. Last evaluated: 2026-02-04. Review status: criteria provided, single submitter. Criteria: Invitae Variant Classification Sherloc (09022015). Collection method: clinical testing. Allele origin: germline.
Comment: This sequence change replaces aspartic acid, which is acidic and polar, with glutamic acid, which is acidic and polar, at codon 1421 of the DICER1 protein (p.Asp1421Glu). This variant is not present in population databases (gnomAD no frequency). This variant has not been reported in the literature in individuals affected with DICER1-related conditions. ClinVar contains an entry for this variant (Variation ID: 479644). Invitae Evidence Modeling of protein sequence and biophysical properties (such as structural, functional, and spatial information, amino acid conservation, physicochemical variation, residue mobility, and thermodynamic stability) indicates that this missense variant is not expected to disrupt DICER1 protein function with a negative predictive value of 95%. In summary, the available evidence is currently insufficient to determine the role of this variant in disease. Therefore, it has been classified as a Variant of Uncertain Significance.

Ambry Genetics
Classification: Likely benign for Hereditary cancer-predisposing syndrome. Last evaluated: 2017-04-16. Review status: criteria provided, single submitter. Criteria: Ambry Variant Classification Scheme 2023. Collection method: clinical testing. Allele origin: germline.